The following is an entry in ClinVar:

ClinVar aggregate classification (germline): Uncertain significance (1 of 4 stars; one submission).

gnomAD v4.1: 11 of 1,614,126 alleles (0.00068%); highest among the groups gnomAD compares: African/African-American, 0.0013%; no homozygotes.

Submission:

Labcorp Genetics (formerly Invitae), Labcorp
Classification: Uncertain significance. Last evaluated: 2022-06-24. Review status: criteria provided, single submitter. Criteria: Invitae Variant Classification Sherloc (09022015). Collection method: clinical testing. Allele origin: germline.
Comment: This variant has not been reported in the literature in individuals affected with ORC1-related conditions. Algorithms developed to predict the effect of missense changes on protein structure and function (SIFT, PolyPhen-2, Align-GVGD) all suggest that this variant is likely to be tolerated. In summary, the available evidence is currently insufficient to determine the role of this variant in disease. Therefore, it has been classified as a Variant of Uncertain Significance. This variant is not present in population databases (gnomAD no frequency). This sequence change replaces arginine, which is basic and polar, with leucine, which is neutral and non-polar, at codon 444 of the ORC1 protein (p.Arg444Leu).

NM_004153.4(ORC1):c.1331G>T (p.Arg444Leu)

Gene: ORC1 (origin recognition complex subunit 1; minus strand). Cytogenetic location: 1p32.3.
Variant type: single nucleotide variant.
Coding change: c.1331G>T on transcript NM_004153.4 (MANE Select); coding-DNA position 1331, G replaced by T.
Protein change: p.Arg444Leu; replaces arginine 444 with leucine.
Molecular consequence: missense variant.
Genome position (GRCh38, 1-based): chr1:52,388,494, C>A on the plus strand (G>T on the coding strand, the complement: ORC1 is on the minus strand). VCF-style: chr1-52388494-C-A. GRCh37 (hg19) VCF-style: chr1-52854166-C-A.
Other names: c.1331G>T, p.Arg444Leu (NM_001190818.2, NM_001190819.2); short protein forms R444L.
Identifiers: ClinVar variation 1906075 (VCV001906075.5), dbSNP rs779430952, ClinGen allele CA340357148.